The following is an entry in ClinVar:

ClinVar aggregate classification (germline): Benign (1 of 4 stars; one submission).

Conditions:
Peutz-Jeghers syndrome (PJS). Also called: POLYPOSIS, HAMARTOMATOUS INTESTINAL; POLYPS-AND-SPOTS SYNDROME; Peutz-Jeghers polyposis; Periorificial lentiginosis syndrome. Identifiers: Orphanet 2869, MedGen C0031269, MeSH D010580, MONDO:0008280, OMIM 175200.

Allele frequency attached by ClinVar (database versions not stated): gnomAD 0.00049 and 0.00066; TOPMed 0.00050; gnomAD exomes 0.00108; 1000 Genomes Project 0.00160; 1000 Genomes Project 30x 0.00187.

Submission:

Illumina Laboratory Services, Illumina
Classification: Benign for Peutz-Jeghers syndrome. Last evaluated: 2018-01-12. Review status: criteria provided, single submitter. Criteria: ICSL Variant Classification Criteria 13 December 2019. Collection method: clinical testing. Allele origin: germline.
Comment: This variant was observed in the ICSL laboratory as part of a predisposition screen in an ostensibly healthy population. It had not been previously curated by ICSL or reported in the Human Gene Mutation Database (HGMD: prior to June 1st, 2018), and was therefore a candidate for classification through an automated scoring system. Utilizing variant allele frequency, disease prevalence and penetrance estimates, and inheritance mode, an automated score was calculated to assess if this variant is too frequent to cause the disease. Based on the score and internal cut-off values, a variant classified as benign is not then subjected to further curation. The score for this variant resulted in a classification of benign for this disease.

NM_000455.5(STK11):c.-274C>T

Gene: STK11 (serine/threonine kinase 11; plus strand). Cytogenetic location: 19p13.3.
Variant type: single nucleotide variant.
Coding change: c.-274C>T on transcript NM_000455.5 (MANE Select); 274 bases upstream of the start codon, C replaced by T.
Molecular consequence: 5 prime UTR variant.
Genome position (GRCh38, 1-based): chr19:1,206,640, C>T. VCF-style: chr19-1206640-C-T. GRCh37 (hg19) VCF-style: chr19-1206639-C-T.
Identifiers: ClinVar variation 328218 (VCV000328218.5), dbSNP rs372994361, ClinGen allele CA10652243.
Genomic context (GRCh38, chr19:1,206,640, plus strand): 5'-GGGTCCCCGAGGACGAAGTTGACCCTGACCGGGCCGTCTCCCAGTTCTGAGGCCCGGGTC[C>T]CACTGGAACTCGCGTCTGAGCCGCCGTCCCGGACCCCCGGTGCCCGCCGGTCCGCAGACC-3'